The following is an entry in ClinVar:

ClinVar aggregate classification (germline): Likely benign (1 of 4 stars; one submission).

Allele frequency attached by ClinVar (database versions not stated): 1000 Genomes Project 30x 0.00109; 1000 Genomes Project 0.00120; TOPMed 0.00158; gnomAD 0.00220; ESP Exome Variant Server 0.00246; gnomAD exomes 0.00282; ExAC 0.00335.
gnomAD v4.1: 4,420 of 1,614,210 alleles (0.27%); highest among the groups gnomAD compares: Non-Finnish European, 0.32%; 12 homozygotes.

Submission:

CeGaT Center for Human Genetics Tuebingen
Classification: Likely benign. Last evaluated: 2022-07-01. Review status: criteria provided, single submitter. Criteria: CeGaT Center For Human Genetics Tuebingen Variant Classification Criteria Version 2. Collection method: clinical testing. Allele origin: germline. Affected: yes. Observed: 1 variant allele.
Comment: TMEM25: BS2

NM_032780.4(TMEM25):c.275G>T (p.Ser92Ile)

Gene: TMEM25 (transmembrane protein 25; plus strand). Cytogenetic location: 11q23.3.
Variant type: single nucleotide variant.
Coding change: c.275G>T on transcript NM_032780.4 (MANE Select); coding-DNA position 275, G replaced by T.
Protein change: p.Ser92Ile; replaces serine 92 with isoleucine.
Molecular consequence: missense variant. On other transcripts: intron variant (1).
Genome position (GRCh38, 1-based): chr11:118,532,354, G>T. VCF-style: chr11-118532354-G-T. GRCh37 (hg19) VCF-style: chr11-118403069-G-T.
Other names: c.275G>T, p.Ser92Ile (NM_001144034.2, NM_001144035.2, NM_001144037.2 and 3 more transcripts); c.70+483G>T (NM_001144036.2); short protein forms S92I.
Identifiers: ClinVar variation 2642437 (VCV002642437.24), dbSNP rs146752919, ClinGen allele CA6305242.